The following is an entry in ClinVar:

NM_000478.6(ALPL):c.1055C>T (p.Ala352Val)

Gene: ALPL (alkaline phosphatase, biomineralization associated; plus strand). Cytogenetic location: 1p36.12.
Variant type: single nucleotide variant.
Coding change: c.1055C>T on transcript NM_000478.6 (MANE Select); coding-DNA position 1055, C replaced by T.
Protein change: p.Ala352Val; replaces alanine 352 with valine.
Molecular consequence: missense variant.
Genome position (GRCh38, 1-based): chr1:21,575,790, C>T. VCF-style: chr1-21575790-C-T. GRCh37 (hg19) VCF-style: chr1-21902283-C-T.
Other names: c.890C>T, p.Ala297Val (NM_001127501.4); c.824C>T, p.Ala275Val (NM_001177520.3); c.1055C>T, p.Ala352Val (NM_001369803.2, NM_001369804.2, NM_001369805.2); short protein forms A297V, A352V, A275V.
Identifiers: ClinVar variation 2148087 (VCV002148087.1), dbSNP rs1212356217, ClinGen allele CA338881126.
Genomic context (GRCh38, chr1:21,575,790, plus strand): 5'-AAGGAGGCAGAATTGACCACGGGCACCATGAAGGAAAAGCCAAGCAGGCCCTGCATGAGG[C>T]GGTGGAGATGGACCGGGCCATCGGGCAGGCAGGCAGCTTGACCTCCTCGGAAGACACTCT-3'
Protein context (NP_000469.3, residues 342-362): EGKAKQALHE[Ala352Val]VEMDRAIGQA

ClinVar aggregate classification (germline): Uncertain significance (1 of 4 stars; one submission).

Allele frequency attached by ClinVar (database versions not stated): gnomAD exomes below 0.00001; gnomAD 0.00001; TOPMed 0.00001.
gnomAD v4.1: 8 of 1,614,096 alleles (0.0005%); highest among the groups gnomAD compares: Middle Eastern, 0.016%; no homozygotes.

Submission:

Labcorp Genetics (formerly Invitae), Labcorp
Classification: Uncertain significance. Last evaluated: 2022-09-18. Review status: criteria provided, single submitter. Criteria: Invitae Variant Classification Sherloc (09022015). Collection method: clinical testing. Allele origin: germline.
Comment: This sequence change replaces alanine, which is neutral and non-polar, with valine, which is neutral and non-polar, at codon 352 of the ALPL protein (p.Ala352Val). This variant is present in population databases (no rsID available, gnomAD 0.003%). This variant has not been reported in the literature in individuals affected with ALPL-related conditions. Advanced modeling of protein sequence and biophysical properties (such as structural, functional, and spatial information, amino acid conservation, physicochemical variation, residue mobility, and thermodynamic stability) performed at Invitae indicates that this missense variant is expected to disrupt ALPL protein function. In summary, the available evidence is currently insufficient to determine the role of this variant in disease. Therefore, it has been classified as a Variant of Uncertain Significance.